The following is an entry in ClinVar:

ClinVar aggregate classification (germline): Uncertain significance. Review status: criteria provided, multiple submitters, no conflicts (2 of 4 stars). 3 submissions from 3 submitters: Uncertain significance (2). 1 of the submissions does not count toward it. Last evaluated 2026-02-25.

Conditions:
ZNF142-related disorder. Also called: ZNF142-related condition.

Allele frequency attached by ClinVar (database versions not stated): 1000 Genomes Project 30x 0.00016; 1000 Genomes Project 0.00020; gnomAD exomes 0.00022 and 0.00036; ExAC 0.00027; TOPMed 0.00028; gnomAD 0.00029 and 0.00030; ESP Exome Variant Server 0.00039.
gnomAD v4.1: 570 of 1,614,174 alleles (0.035%); highest among the groups gnomAD compares: Non-Finnish European, 0.045%; no homozygotes.

Submissions (3):

GeneDx
Classification: Uncertain significance. Last evaluated: 2026-02-25. Review status: criteria provided, single submitter. Criteria: GeneDx Variant Classification Process June 2021. Collection method: clinical testing. Allele origin: germline.
Comment: Reported in the heterozygous state in a family with late-onset Alzheimer disease; however, not all affected individuals carried the variant (PMID: 27066578); In silico analysis supports that this missense variant does not alter protein structure/function; This variant is associated with the following publications: (PMID: 27066578, 36553572)

Women's Health and Genetics/Laboratory Corporation of America, LabCorp
Classification: Uncertain significance. Last evaluated: 2022-04-28. Review status: criteria provided, single submitter. Criteria: LabCorp Variant Classification Summary - May 2015. Collection method: clinical testing. Allele origin: germline.
Comment: Variant summary: ZNF142 c.1118G>A (p.Arg373His) results in a non-conservative amino acid change located in the Zinc finger C2H2-type domain (IPR013087) of the encoded protein sequence. Three of five in-silico tools predict a benign effect of the variant on protein function. The variant allele was found at a frequency of 0.00022 in 249218 control chromosomes (gnomAD). c.1118G>A has been reported in the literature in at least one individual affected with late-onset Alzheimer disease (Kohli_2016). The report does not provide unequivocal conclusions about association of the variant with Neurodevelopmental Disorder With Impaired Speech And Hyperkinetic Movements. To our knowledge, no experimental evidence demonstrating an impact on protein function has been reported. No clinical diagnostic laboratories have submitted clinical-significance assessments for this variant to ClinVar after 2014. Based on the evidence outlined above, the variant was classified as uncertain significance.

PreventionGenetics, part of Exact Sciences
Classification: Uncertain significance for ZNF142-related condition. Last evaluated: 2024-03-30. Review status: no assertion criteria provided. Collection method: clinical testing. Allele origin: germline. Not counted in ClinVar's aggregate classification.
Comment: The ZNF142 c.1718G>A variant is predicted to result in the amino acid substitution p.Arg573His. This variant was reported using alternate nomenclature (NM_001105537.4:c.1118G>A; p.Arg373His) along with a second variant (NM_001105537.4:c.4091C>G; p.Pro1364Arg) in an individual with epilepsy and neurodevelopmental delay; however, phase was not established (Jauss et al. 2022. PubMed ID: 36553572). Importantly, gnomAD co-occurrence analysis indicates that these variants reside on the same allele (in cis) the vast majority of the time. The c.1718G>A variant is reported in 0.041% of alleles in individuals of European (Non-Finnish) descent in gnomAD, which is more common than expected for a pathogenic allele. At this time, the clinical significance of this variant is uncertain due to the absence of conclusive functional and genetic evidence.

Literature cited by the submitters: PubMed 27066578 (cited by Women's Health and Genetics/Laboratory Corporation of America, LabCorp).

NM_001379659.1(ZNF142):c.1718G>A (p.Arg573His)

Gene: ZNF142 (zinc finger protein 142; minus strand). Cytogenetic location: 2q35.
Variant type: single nucleotide variant.
Coding change: c.1718G>A on transcript NM_001379659.1 (MANE Select); coding-DNA position 1718, G replaced by A.
Protein change: p.Arg573His; replaces arginine 573 with histidine.
Molecular consequence: missense variant.
Genome position (GRCh38, 1-based): chr2:218,648,790, C>T on the plus strand (G>A on the coding strand, the complement: ZNF142 is on the minus strand). VCF-style: chr2-218648790-C-T. GRCh37 (hg19) VCF-style: chr2-219513513-C-T.
Other names: c.629G>A, p.Arg210His (NM_001366288.3, NM_001366289.3, NM_001366287.3); c.1718G>A, p.Arg573His (NM_001366290.3, NM_001379660.1, NM_001379661.1); c.1118G>A, p.Arg373His (NM_001366291.3, NM_001105537.5, NM_001379662.1); short protein forms R210H, R373H, R573H.
Identifiers: ClinVar variation 1683279 (VCV001683279.3), dbSNP rs139412557, ClinGen allele CA2109321.